The following is an entry in ClinVar:

NM_000543.5(SMPD1):c.549delinsTTCTCCTC (p.Pro184fs)

Gene: SMPD1 (sphingomyelin phosphodiesterase 1; plus strand). Cytogenetic location: 11p15.4.
Variant type: Indel.
Coding change: c.549delinsTTCTCCTC on transcript NM_000543.5 (MANE Select); coding-DNA position 549, G replaced by TTCTCCTC.
Protein change: p.Pro184fs; shifts the reading frame from proline 184.
Molecular consequence: frameshift variant. On other transcripts: 5 prime UTR variant (1), non-coding transcript variant (1).
Genome position (GRCh38, 1-based): chr11:6,391,614, G replaced by TTCTCCTC. VCF-style: chr11-6391614-G-TTCTCCTC. GRCh37 (hg19) VCF-style: chr11-6412844-G-TTCTCCTC.
Other names: c.546delinsTTCTCCTC, p.Pro183fs (NM_001007593.3); c.549delinsTTCTCCTC, p.Pro184fs (NM_001318087.2, NM_001365135.2); c.-413delinsTTCTCCTC (NM_001318088.2); short protein forms P183fs, P184fs.
Identifiers: ClinVar variation 5011745 (VCV005011745.1).

ClinVar aggregate classification (germline): Pathogenic (1 of 4 stars; one submission).

Conditions:
Acid sphingomyelinase deficiency. Identifiers: Orphanet 618899, MedGen C5243927, MONDO:0100464.

Submission:

Myriad Genetics, Inc.
Classification: Pathogenic for Acid sphingomyelinase deficiency. Last evaluated: 2023-09-27. Review status: criteria provided, single submitter. Criteria: Myriad Autosomal Dominant, Autosomal Recessive and X-Linked Classification Criteria (2023). Collection method: clinical testing. Allele origin: unknown.
Comment: NM_000543.4(SMPD1):c.549del1ins8(P184Sfs*11) is expected to be pathogenic in the context of Niemann-Pick disease, SMPD1-related. This variant is predicted to lead to an abnormal or absent protein product due to the creation of a premature termination codon in SMPD1, a gene where loss-of-function variants are known to be pathogenic. Please note: this variant was assessed in the context of healthy population screening.